The following is an entry in ClinVar:

ClinVar aggregate classification (germline): Likely pathogenic (1 of 4 stars; one submission).

Allele frequency attached by ClinVar (database versions not stated): gnomAD exomes below 0.00001.
gnomAD v4.1: 1 of 1,604,056 alleles (0.000062%); highest among the groups gnomAD compares: Non-Finnish European, 0.000085%; no homozygotes.

Submission:

GeneDx
Classification: Likely pathogenic. Last evaluated: 2018-12-10. Review status: criteria provided, single submitter. Criteria: GeneDx Variant Classification (06012015). Collection method: clinical testing. Allele origin: germline. Affected: yes.
Comment: The W431X variant in the IGFALS gene has not been reported previously as a pathogenic variant nor as a benign variant, to our knowledge. This variant is predicted to cause loss of normal protein function through protein truncation. The W431X variant is not observed in large population cohorts (Lek et al., 2016). We interpret W431X as a likely pathogenic variant.

NM_004970.3(IGFALS):c.1293G>A (p.Trp431Ter)

Gene: IGFALS (insulin like growth factor binding protein acid labile subunit; minus strand). Cytogenetic location: 16p13.3.
Variant type: single nucleotide variant.
Coding change: c.1293G>A on transcript NM_004970.3 (MANE Select); coding-DNA position 1293, G replaced by A.
Protein change: p.Trp431Ter; replaces tryptophan 431 with a stop codon.
Molecular consequence: nonsense. On other transcripts: non-coding transcript variant (1).
Genome position (GRCh38, 1-based): chr16:1,791,125, C>T on the plus strand (G>A on the coding strand, the complement: IGFALS is on the minus strand). VCF-style: chr16-1791125-C-T. GRCh37 (hg19) VCF-style: chr16-1841126-C-T.
Other names: c.1407G>A, p.Trp469Ter (NM_001146006.2); short protein forms W431*, W469*.
Identifiers: ClinVar variation 620476 (VCV000620476.1), dbSNP rs1344337662, ClinGen allele CA394264610.
Genomic context (GRCh38, chr16:1,791,125, plus strand): 5'-GTGGGGCAGGTGCGTGAGCTGGTTGGAGGTCAGGTCGAGCTCCAGCAGCTCCGCCAGCCC[C>T]CACAGGCTCTGCTCCTCAATGCCCACGAGGCCGTTGTCCTTGAGGAAGAGTCGGCGGAGC-3'